The following is an entry in ClinVar:

ClinVar aggregate classification (germline): Conflicting classifications of pathogenicity. Review status: criteria provided, conflicting classifications (1 of 4 stars). 4 submissions from 4 submitters: Uncertain significance (3); Likely benign (1). Last evaluated 2025-05-15.

Conditions:
Dilated cardiomyopathy 1G (CMD1G). Identifiers: Orphanet 154, MedGen C1858763, MONDO:0011400, OMIM 604145.
Autosomal recessive limb-girdle muscular dystrophy type 2J (LGMDR10). Also called: MUSCULAR DYSTROPHY, LIMB-GIRDLE, AUTOSOMAL RECESSIVE 10; Limb-girdle muscular dystrophy, type 2J. Identifiers: Orphanet 140922, MedGen C1837342, MONDO:0012127, OMIM 608807.
Cardiovascular phenotype. Identifiers: MedGen CN230736.

Allele frequency attached by ClinVar (database versions not stated): gnomAD exomes 0.00001; ExAC 0.00003.
gnomAD v4.1: 23 of 1,613,840 alleles (0.0014%); highest among the groups gnomAD compares: Non-Finnish European, 0.0018%; no homozygotes.

Submissions (4):

Labcorp Genetics (formerly Invitae), Labcorp
Classification: Uncertain significance for Dilated cardiomyopathy 1G; Autosomal recessive limb-girdle muscular dystrophy type 2J. Last evaluated: 2025-05-15. Review status: criteria provided, single submitter. Criteria: Invitae Variant Classification Sherloc (09022015). Collection method: clinical testing. Allele origin: germline.
Comment: This sequence change replaces alanine, which is neutral and non-polar, with proline, which is neutral and non-polar, at codon 35599 of the TTN protein (p.Ala35599Pro). This variant is present in population databases (rs754744644, gnomAD 0.006%). This variant has not been reported in the literature in individuals affected with TTN-related conditions. ClinVar contains an entry for this variant (Variation ID: 1711512). Experimental studies and prediction algorithms are not available or were not evaluated, and the functional significance of this variant is currently unknown. This variant is located in the M band of TTN (PMID: 25589632). Non-truncating variants in this region may be relevant for neuromuscular disorders, but have not been definitively shown to cause cardiomyopathy (PMID: 23975875). In summary, the available evidence is currently insufficient to determine the role of this variant in disease. Therefore, it has been classified as a Variant of Uncertain Significance.

Mayo Clinic Laboratories, Mayo Clinic
Classification: Uncertain significance. Last evaluated: 2023-02-21. Review status: criteria provided, single submitter. Criteria: ACMG Guidelines, 2015. Collection method: clinical testing. Allele origin: germline. Observed: 1 variant allele.
Comment: BP4

CeGaT Center for Human Genetics Tuebingen
Classification: Likely benign. Last evaluated: 2022-09-01. Review status: criteria provided, single submitter. Criteria: CeGaT Center For Human Genetics Tuebingen Variant Classification Criteria Version 2. Collection method: clinical testing. Allele origin: germline. Affected: yes. Observed: 1 variant allele.
Comment: TTN: PM2:Supporting, BP1, BP4

Ambry Genetics
Classification: Uncertain significance for Cardiovascular phenotype. Last evaluated: 2019-12-04. Review status: criteria provided, single submitter. Criteria: Ambry Variant Classification Scheme 2023. Collection method: clinical testing. Allele origin: germline.
Comment: The p.A26534P variant (also known as c.79600G>C), located in coding exon 187 of the TTN gene, results from a G to C substitution at nucleotide position 79600. The alanine at codon 26534 is replaced by proline, an amino acid with highly similar properties. This amino acid position is not well conserved in available vertebrate species. In addition, this alteration is predicted to be tolerated by in silico analysis. Since supporting evidence is limited at this time, the clinical significance of this alteration remains unclear.

Literature cited by the submitters: PubMed 25589632 (cited by Labcorp Genetics (formerly Invitae), Labcorp); PubMed 23975875 (cited by Labcorp Genetics (formerly Invitae), Labcorp).

NM_001267550.2(TTN):c.106795G>C (p.Ala35599Pro)

Genes: TTN (titin; minus strand), TTN-AS1 (TTN antisense RNA 1; plus strand). Cytogenetic location: 2q31.2.
Variant type: single nucleotide variant.
Coding change: c.106795G>C on transcript NM_001267550.2 (MANE Select); coding-DNA position 106795, G replaced by C.
Protein change: p.Ala35599Pro; replaces alanine 35599 with proline.
Molecular consequence: missense variant.
Genome position (GRCh38, 1-based): chr2:178,528,956, C>G on the plus strand (G>C on the coding strand, the complement: TTN is on the minus strand). VCF-style: chr2-178528956-C-G. GRCh37 (hg19) VCF-style: chr2-179393683-C-G.
Other names: p.Ala33031Pro; c.101872G>C, p.Ala33958Pro (NM_001256850.1); c.79600G>C, p.Ala26534Pro (NM_003319.4); c.99091G>C, p.Ala33031Pro (NM_133378.4); c.79975G>C, p.Ala26659Pro (NM_133432.3); c.80176G>C, p.Ala26726Pro (NM_133437.4); short protein forms A26534P, A26659P, A26726P, A33031P, A33958P, A35599P.
Identifiers: ClinVar variation 1711512 (VCV001711512.35), dbSNP rs754744644, ClinGen allele CA1985043.